The following is an entry in ClinVar:

NM_000093.5(COL5A1):c.1094_1095del (p.Asp365fs)

Gene: COL5A1 (collagen type V alpha 1 chain; plus strand). Cytogenetic location: 9q34.3.
Variant type: Deletion.
Coding change: c.1094_1095del on transcript NM_000093.5 (MANE Select); coding-DNA positions 1094 to 1095, 2 bases deleted (AC; older notation c.1094_1095delAC).
Protein change: p.Asp365fs; shifts the reading frame from aspartic acid 365.
Molecular consequence: frameshift variant.
Genome position (GRCh38, 1-based): chr9:134,730,405-134,730,406, AC deleted. VCF-style (leftmost placement, unchanged base first): chr9-134730404-GAC-G. GRCh37 (hg19) VCF-style: chr9-137622250-GAC-G.
Other names: c.1094_1095del, p.Asp365fs (NM_001278074.1); short protein forms D365fs.
Identifiers: ClinVar variation 853480 (VCV000853480.9), dbSNP rs1834837756, ClinGen allele CA916083081.
Genomic context (GRCh38, chr9:134,730,404, plus strand): 5'-GACTACTACACGCCCTCACCGTATGATGACCTCACCTATGGCGAGGGGGAGGAGAACCCC[GAC>G]CAGCCCACAGACCCAGGCGCTGGGGCCGAAATTCCCACCAGCACCGCCGACACCTCCAAC-3'

ClinVar aggregate classification (germline): Pathogenic (1 of 4 stars; one submission).

Conditions:
Ehlers-Danlos syndrome, classic type, 1 (EDSCL1). Also called: Ehlers-Danlos syndrome, type 1; Ehlers-Danlos Syndrome, Classic Type, COL5A1-Related; EDS I; EHLERS-DANLOS SYNDROME, GRAVIS TYPE; EHLERS-DANLOS SYNDROME, SEVERE CLASSIC TYPE. Identifiers: MedGen C0268335, MONDO:0019567, OMIM 130000.

Submission:

Labcorp Genetics (formerly Invitae), Labcorp
Classification: Pathogenic for Ehlers-Danlos syndrome, classic type, 1. Last evaluated: 2019-01-25. Review status: criteria provided, single submitter. Criteria: Invitae Variant Classification Sherloc (09022015). Collection method: clinical testing. Allele origin: germline.
Comment: Loss-of-function variants in COL5A1 are known to be pathogenic (PMID: 23587214). For these reasons, this variant has been classified as Pathogenic. This variant has not been reported in the literature in individuals with COL5A1-related conditions. This variant is not present in population databases (ExAC no frequency). This sequence change creates a premature translational stop signal (p.Asp365Alafs*34) in the COL5A1 gene. It is expected to result in an absent or disrupted protein product.

Literature cited by the submitters: PubMed 23587214.